The following is an entry in ClinVar:

NM_000092.5(COL4A4):c.3197G>T (p.Gly1066Val)

Gene: COL4A4 (collagen type IV alpha 4 chain; minus strand). Cytogenetic location: 2q36.3.
Variant type: single nucleotide variant.
Coding change: c.3197G>T on transcript NM_000092.5 (MANE Select); coding-DNA position 3197, G replaced by T.
Protein change: p.Gly1066Val; replaces glycine 1066 with valine.
Molecular consequence: missense variant.
Genome position (GRCh38, 1-based): chr2:227,050,085, C>A on the plus strand (G>T on the coding strand, the complement: COL4A4 is on the minus strand). VCF-style: chr2-227050085-C-A. GRCh37 (hg19) VCF-style: chr2-227914801-C-A.
Other names: short protein forms G1066V.
Identifiers: ClinVar variation 3585800 (VCV003585800.2).

ClinVar aggregate classification (germline): Likely pathogenic. Review status: criteria provided, multiple submitters, no conflicts (2 of 4 stars). 2 submissions from 2 submitters: Likely pathogenic (2). Last evaluated 2024-09-08.

Conditions:
Autosomal recessive Alport syndrome (ATS2). Also called: Alport syndrome type 2; COL4A3-Related Nephropathy; COL4A4 Alport Syndrome and Thin Basement Membrane Nephropathy; ALPORT SYNDROME 2, AUTOSOMAL RECESSIVE. Identifiers: Orphanet 63, Orphanet 88919, MedGen C4746745, MONDO:0008762, OMIM 203780.
Hematuria, benign familial, 1 (BFH1). Also called: THIN MEMBRANE NEPHROPATHY. Identifiers: MedGen CN376803, MONDO:0007709, OMIM 141200.
Alport syndrome. Also called: Hemorrhagic familial nephritis; Hemorrhagic hereditary nephritis; Congenital hereditary hematuria. Identifiers: Orphanet 63, MedGen C1567741, MONDO:0018965.

gnomAD v4.1: 2 of 1,614,192 alleles (0.00012%); highest among the groups gnomAD compares: Non-Finnish European, 0.000085%; no homozygotes.

Submissions (2):

Molecular Genetics, Royal Melbourne Hospital
Classification: Likely pathogenic for Alport syndrome. Last evaluated: 2024-09-08. Review status: criteria provided, single submitter. Criteria: ACMG Guidelines, 2015. Collection method: clinical testing. Allele origin: germline. Inheritance: Semidominant inheritance. Affected: yes.
Comment: This sequence change in COL4A4 is predicted to replace glycine with valine at codon 1066, p.(Gly1066Val). The glycine residue is highly conserved (100 vertebrates, Multiz Alignments), and is a glycine-altering variant that alters a critical glycine residue in a collagen triple helix repeat (Gly-X-Y) in the alpha-IV collagenous domain. Glycine substitutions within this functional domain have a well-established pathogenic dominant-negative effect (PMID: 20301386). There is a large physicochemical difference between glycine and valine. The highest population minor allele frequency in the population database gnomAD v4.1 is 0.00008% (1/1,180,016 alleles) in the European (non-Finnish) population. This variant has been reported as compound heterozygous in an individual with renal failure (PMID: 24052634). Computational evidence predicts a deleterious effect for the missense substitution (REVEL = 0.991) and predicts no impact on splicing (SpliceAI) for the nucleotide change. Based on the classification scheme RMH Modified ACMG/AMP Guidelines v1.7.0, this variant is classified as LIKELY PATHOGENIC. Following criteria are met: PM1, PP3_Moderate, PM2_Supporting, PM3_Supporting.

Fulgent Genetics
Classification: Likely pathogenic for Hematuria, benign familial, 1; Autosomal recessive Alport syndrome. Last evaluated: 2024-06-17. Review status: criteria provided, single submitter. Criteria: ACMG Guidelines, 2015. Collection method: clinical testing. Allele origin: germline.

Literature cited by the submitters: PubMed 20301386 (cited by Molecular Genetics, Royal Melbourne Hospital); PubMed 24052634 (cited by Molecular Genetics, Royal Melbourne Hospital).